The following is an entry in ClinVar:

NM_054027.6(ANKH):c.1040A>G (p.Asn347Ser)

Gene: ANKH (ANKH inorganic pyrophosphate transport regulator; minus strand). Cytogenetic location: 5p15.2.
Variant type: single nucleotide variant.
Coding change: c.1040A>G on transcript NM_054027.6 (MANE Select); coding-DNA position 1040, A replaced by G.
Protein change: p.Asn347Ser; replaces asparagine 347 with serine.
Molecular consequence: missense variant.
Genome position (GRCh38, 1-based): chr5:14,716,807, T>C on the plus strand (A>G on the coding strand, the complement: ANKH is on the minus strand). VCF-style: chr5-14716807-T-C. GRCh37 (hg19) VCF-style: chr5-14716916-T-C.
Other names: c.1040A>G (NM_054027.4); short protein forms N347S.
Identifiers: ClinVar variation 1350497 (VCV001350497.9), dbSNP rs150301410, ClinGen allele CA3208933.

ClinVar aggregate classification (germline): Uncertain significance. Review status: criteria provided, multiple submitters, no conflicts (2 of 4 stars). 2 submissions from 2 submitters: Uncertain significance (2). Last evaluated 2024-06-28.

Conditions:
Inborn genetic diseases. Identifiers: MedGen C0950123, MeSH D030342.

Allele frequency attached by ClinVar (database versions not stated): gnomAD exomes 0.00002 and 0.00004; ExAC 0.00005; ESP Exome Variant Server 0.00008; 1000 Genomes Project 30x 0.00016; 1000 Genomes Project 0.00020; gnomAD 0.00023 and 0.00026; TOPMed 0.00027.
gnomAD v4.1: 58 of 1,614,086 alleles (0.0036%); highest among the groups gnomAD compares: African/African-American, 0.063%; no homozygotes.

Submissions (2):

Labcorp Genetics (formerly Invitae), Labcorp
Classification: Uncertain significance. Last evaluated: 2024-06-28. Review status: criteria provided, single submitter. Criteria: Invitae Variant Classification Sherloc (09022015). Collection method: clinical testing. Allele origin: germline.
Comment: This sequence change replaces asparagine, which is neutral and polar, with serine, which is neutral and polar, at codon 347 of the ANKH protein (p.Asn347Ser). This variant is present in population databases (rs150301410, gnomAD 0.06%), and has an allele count higher than expected for a pathogenic variant. This variant has not been reported in the literature in individuals affected with ANKH-related conditions. ClinVar contains an entry for this variant (Variation ID: 1350497). An algorithm developed to predict the effect of missense changes on protein structure and function (PolyPhen-2) suggests that this variant is likely to be tolerated. In summary, the available evidence is currently insufficient to determine the role of this variant in disease. Therefore, it has been classified as a Variant of Uncertain Significance.

Ambry Genetics
Classification: Uncertain significance for Inborn genetic diseases. Last evaluated: 2021-10-27. Review status: criteria provided, single submitter. Criteria: Ambry Variant Classification Scheme 2023. Collection method: clinical testing. Allele origin: germline.